The following is an entry in ClinVar:

NM_001244008.2(KIF1A):c.864+5G>A

Gene: KIF1A (kinesin family member 1A; minus strand). Cytogenetic location: 2q37.3.
Variant type: single nucleotide variant.
Coding change: c.864+5G>A on transcript NM_001244008.2 (MANE Select); 5 bases into the intron after coding-DNA position 864, G replaced by A.
Molecular consequence: intron variant.
Genome position (GRCh38, 1-based): chr2:240,783,039, C>T on the plus strand (G>A on the coding strand, the complement: KIF1A is on the minus strand). VCF-style: chr2-240783039-C-T. GRCh37 (hg19) VCF-style: chr2-241722456-C-T.
Other names: c.864+5G>A (NM_001379653.1, NM_001379650.1, NM_001379645.1 and 20 more transcripts).
Identifiers: ClinVar variation 1984511 (VCV001984511.4), dbSNP rs745739108, ClinGen allele CA2208636.

ClinVar aggregate classification (germline): Uncertain significance (1 of 4 stars; one submission).

Conditions:
Hereditary spastic paraplegia 30. Identifiers: Orphanet 101010, MedGen C5235139, MONDO:0012476.
Neuropathy, hereditary sensory, type 2C. Also called: Hereditary sensory and autonomic neuropathy type IIC; KIF1A-Related HSAN2 (HSAN2C). Identifiers: Orphanet 970, MedGen C3280168, MONDO:0013634, OMIM 614213.
Intellectual disability, autosomal dominant 9 (NESCAVS). Also called: NESCAV SYNDROME; KIF1A-Related Neurodevelopmental Disorder. Identifiers: Orphanet 662367, MedGen C5393830, MONDO:0013656, OMIM 614255.

Allele frequency attached by ClinVar (database versions not stated): ExAC 0.00001; gnomAD 0.00001.
gnomAD v4.1: 2 of 1,611,948 alleles (0.00012%); highest among the groups gnomAD compares: Non-Finnish European, 0.00017%; no homozygotes.

Submission:

Labcorp Genetics (formerly Invitae), Labcorp
Classification: Uncertain significance for Hereditary spastic paraplegia 30; Neuropathy, hereditary sensory, type 2C; Intellectual disability, autosomal dominant 9. Last evaluated: 2022-07-07. Review status: criteria provided, single submitter. Criteria: Invitae Variant Classification Sherloc (09022015). Collection method: clinical testing. Allele origin: germline.
Comment: In summary, the available evidence is currently insufficient to determine the role of this variant in disease. Therefore, it has been classified as a Variant of Uncertain Significance. Variants that disrupt the consensus splice site are a relatively common cause of aberrant splicing (PMID: 17576681, 9536098). Algorithms developed to predict the effect of sequence changes on RNA splicing suggest that this variant may create or strengthen a splice site. This variant has not been reported in the literature in individuals affected with KIF1A-related conditions. This variant is present in population databases (rs745739108, gnomAD 0.0009%). This sequence change falls in intron 8 of the KIF1A gene. It does not directly change the encoded amino acid sequence of the KIF1A protein. It affects a nucleotide within the consensus splice site.

Literature cited by the submitters: PubMed 17576681; PubMed 9536098.